The following is an entry in ClinVar:

ClinVar aggregate classification (germline): Likely pathogenic. Review status: criteria provided, multiple submitters, no conflicts (2 of 4 stars). 3 submissions from 3 submitters: Likely pathogenic (2). 1 of the submissions does not count toward it. Last evaluated 2026-07-26.

Conditions:
Imerslund-Grasbeck syndrome type 1 (IGS1). Also called: Imerslund-Gräsbeck syndrome 1; Megaloblastic anemia 1, Finnish type; MEGALOBLASTIC ANEMIA, 1. Identifiers: MedGen C4016819, MONDO:0100156, OMIM 261100.
Proteinuria, chronic benign. Identifiers: MedGen C5394384, MONDO:0030042, OMIM 618884.
CUBN-related disorder. Also called: CUBN-related condition.
Imerslund-Grasbeck syndrome. Also called: Megaloblastic anemia due to inborn errors of metabolism; ENTEROCYTE COBALAMIN MALABSORPTION; ENTEROCYTE INTRINSIC FACTOR RECEPTOR, DEFECT OF; PERNICIOUS ANEMIA, JUVENILE, DUE TO SELECTIVE INTESTINAL MALABSORPTION OF VITAMIN B12, WITH PROTEINURIA; Imerslund-Gräsbeck syndrome. Identifiers: Orphanet 35858, MedGen C4551825, MONDO:0009853.

Allele frequency attached by ClinVar (database versions not stated): gnomAD 0.00001; TOPMed 0.00001; gnomAD exomes 0.00005 and 0.00014; ExAC 0.00020.
gnomAD v4.1: 77 of 1,614,016 alleles (0.0048%); highest among the groups gnomAD compares: South Asian, 0.077%; no homozygotes.

Submissions (3):

PreventionGenetics, part of Exact Sciences
Classification: Likely pathogenic for CUBN-related condition. Last evaluated: 2026-07-26. Review status: criteria provided, single submitter. Criteria: ACMG Guidelines, 2015. Collection method: clinical testing. Allele origin: germline.
Comment: The CUBN c.9922T>C variant is predicted to result in the amino acid substitution p.Trp3308Arg. This variant has been reported in the compound heterozygous or homozygous state in individuals with proteinuria (Supplemental Table 2, Bedin et al. 2020. PubMed ID: 31613795; Domingo-Gallego et al. 2022. PubMed ID: 34610128; Cicek et al. 2022. PubMed ID: 36112210). This variant is reported in 0.11% of alleles in individuals of South Asian descent in gnomAD. This variant is interpreted as likely pathogenic.

Fulgent Genetics
Classification: Likely pathogenic for Imerslund-Grasbeck syndrome type 1; Proteinuria, chronic benign. Last evaluated: 2024-05-11. Review status: criteria provided, single submitter. Criteria: ACMG Guidelines, 2015. Collection method: clinical testing. Allele origin: germline.

Bioscientia Institut fuer Medizinische Diagnostik GmbH, Sonic Healthcare
Classification: Uncertain significance for Imerslund-Grasbeck syndrome type 1. Last evaluated: 2018-05-17. Review status: no assertion criteria provided. Collection method: clinical testing. Allele origin: germline. Affected: yes. Not counted in ClinVar's aggregate classification.

NM_001081.4(CUBN):c.9922T>C (p.Trp3308Arg)

Gene: CUBN (cubilin; minus strand). Cytogenetic location: 10p13.
Variant type: single nucleotide variant.
Coding change: c.9922T>C on transcript NM_001081.4 (MANE Select); coding-DNA position 9922, T replaced by C.
Protein change: p.Trp3308Arg; replaces tryptophan 3308 with arginine.
Molecular consequence: missense variant.
Genome position (GRCh38, 1-based): chr10:16,840,440, A>G on the plus strand (T>C on the coding strand, the complement: CUBN is on the minus strand). VCF-style: chr10-16840440-A-G. GRCh37 (hg19) VCF-style: chr10-16882439-A-G.
Other names: short protein forms W3308R.
Identifiers: ClinVar variation 599125 (VCV000599125.7), dbSNP rs752843169, ClinGen allele CA5422545.